The following is an entry in ClinVar:

ClinVar aggregate classification (germline): Uncertain significance (1 of 4 stars; one submission).

Conditions:
Congenital myasthenic syndrome 12 (CMS12). Also called: Myasthenia, congenital, 12, with tubular aggregates; MYASTHENIC SYNDROME, CONGENITAL, WITH TUBULAR AGGREGATES 1. Identifiers: Orphanet 353327, Orphanet 590, MedGen C3552335, MONDO:0012518, OMIM 610542.

Allele frequency attached by ClinVar (database versions not stated): gnomAD 0.00001.
gnomAD v4.1: 1 of 1,609,962 alleles (0.000062%); highest among the groups gnomAD compares: African/African-American, 0.0013%; no homozygotes.

Submission:

Labcorp Genetics (formerly Invitae), Labcorp
Classification: Uncertain significance for Congenital myasthenic syndrome 12. Last evaluated: 2020-05-21. Review status: criteria provided, single submitter. Criteria: Invitae Variant Classification Sherloc (09022015). Collection method: clinical testing. Allele origin: germline.
Comment: This variant is not present in population databases (ExAC no frequency). In summary, the available evidence is currently insufficient to determine the role of this variant in disease. Therefore, it has been classified as a Variant of Uncertain Significance. Algorithms developed to predict the effect of sequence changes on RNA splicing suggest that this variant may create or strengthen a splice site, but this prediction has not been confirmed by published transcriptional studies. Algorithms developed to predict the effect of missense changes on protein structure and function are either unavailable or do not agree on the potential impact of this missense change (SIFT: "Deleterious"; PolyPhen-2: "Probably Damaging"; Align-GVGD: "Class C0"). This variant has not been reported in the literature in individuals with GFPT1-related conditions. This sequence change replaces aspartic acid with tyrosine at codon 542 of the GFPT1 protein (p.Asp542Tyr). The aspartic acid residue is moderately conserved and there is a large physicochemical difference between aspartic acid and tyrosine.

NM_001244710.2(GFPT1):c.1624G>T (p.Asp542Tyr)

Gene: GFPT1 (glutamine--fructose-6-phosphate transaminase 1; minus strand). Cytogenetic location: 2p13.3.
Variant type: single nucleotide variant.
Coding change: c.1624G>T on transcript NM_001244710.2 (MANE Select); coding-DNA position 1624, G replaced by T.
Protein change: p.Asp542Tyr; replaces aspartic acid 542 with tyrosine.
Molecular consequence: missense variant.
Genome position (GRCh38, 1-based): chr2:69,329,398, C>A on the plus strand (G>T on the coding strand, the complement: GFPT1 is on the minus strand). VCF-style: chr2-69329398-C-A. GRCh37 (hg19) VCF-style: chr2-69556530-C-A.
Other names: c.1570G>T, p.Asp524Tyr (NM_002056.4); short protein forms D524Y, D542Y.
Identifiers: ClinVar variation 1042443 (VCV001042443.8), dbSNP rs1308915445, ClinGen allele CA347422705.